The following is an entry in ClinVar:

NM_001368882.1(COL13A1):c.1914+10A>G

Gene: COL13A1 (collagen type XIII alpha 1 chain; plus strand). Cytogenetic location: 10q22.1.
Variant type: single nucleotide variant.
Coding change: c.1914+10A>G on transcript NM_001368882.1 (MANE Select); 10 bases into the intron after coding-DNA position 1914, A replaced by G.
Molecular consequence: intron variant.
Genome position (GRCh38, 1-based): chr10:69,941,033, A>G. VCF-style: chr10-69941033-A-G. GRCh37 (hg19) VCF-style: chr10-71700789-A-G.
Other names: c.1771-3092A>G (NM_001320951.2); c.1729-3092A>G (NM_001368884.1); c.1881+10A>G (NM_001130103.2); c.1815+10A>G (NM_080801.4); c.1735-3092A>G (NM_080802.4); c.1789-3092A>G (NM_080800.4); c.1171-3092A>G (NM_001368886.1); c.1791+10A>G (NM_001368883.1); and 7 more.
Identifiers: ClinVar variation 3053229 (VCV003053229.2), dbSNP rs1195450785, ClinGen allele CA594264968.
Genomic context (GRCh38, chr10:69,941,033, plus strand): 5'-GTGCCCTTCGTCCAGGGAGCTTCAGGTTTGGACGGCAGGCCTGGGCCACCGGTGAGTGTC[A>G]CTTCTCCATCACCCCTCACCCCACTCCACTCCACACCTGGCCTGTGATCCCTTTTGTCTG-3'

ClinVar aggregate classification (germline): Likely benign (0 of 4 stars; one submission).

Conditions:
COL13A1-related disorder. Also called: COL13A1-related condition.

Allele frequency attached by ClinVar (database versions not stated): gnomAD exomes below 0.00001; gnomAD 0.00001.
gnomAD v4.1: 3 of 1,613,384 alleles (0.00019%); highest among the groups gnomAD compares: African/African-American, 0.0027%; no homozygotes.

Submission:

PreventionGenetics, part of Exact Sciences
Classification: Likely benign for COL13A1-related condition. Last evaluated: 2022-12-12. Review status: no assertion criteria provided. Collection method: clinical testing. Allele origin: germline.
Comment: This variant is classified as likely benign based on ACMG/AMP sequence variant interpretation guidelines (Richards et al. 2015 PMID: 25741868, with internal and published modifications).